The following is an entry in ClinVar:

ClinVar aggregate classification (germline): Likely benign. Review status: criteria provided, single submitter (1 of 4 stars). 2 submissions from 2 submitters: Likely benign (1). 1 of the submissions does not count toward it. Last evaluated 2025-07-27.

Conditions:
HPS6-related disorder. Also called: HPS6-related condition.

Allele frequency attached by ClinVar (database versions not stated): gnomAD 0.00001; gnomAD exomes below 0.00001.

Submissions (2):

Labcorp Genetics (formerly Invitae), Labcorp
Classification: Likely benign. Last evaluated: 2025-07-27. Review status: criteria provided, single submitter. Criteria: Invitae Variant Classification Sherloc (09022015). Collection method: clinical testing. Allele origin: germline.

PreventionGenetics, part of Exact Sciences
Classification: Likely benign for HPS6-related condition. Last evaluated: 2023-10-16. Review status: no assertion criteria provided. Collection method: clinical testing. Allele origin: germline. Not counted in ClinVar's aggregate classification.
Comment: This variant is classified as likely benign based on ACMG/AMP sequence variant interpretation guidelines (Richards et al. 2015 PMID: 25741868, with internal and published modifications).

NM_024747.6(HPS6):c.838C>T (p.Leu280=)

Gene: HPS6 (HPS6 biogenesis of lysosomal organelles complex 2 subunit 3; plus strand). Cytogenetic location: 10q24.32.
Variant type: single nucleotide variant.
Coding change: c.838C>T on transcript NM_024747.6 (MANE Select); coding-DNA position 838, C replaced by T.
Protein change: p.Leu280=; no amino-acid change (leucine 280 retained).
Molecular consequence: synonymous variant.
Genome position (GRCh38, 1-based): chr10:102,066,312, C>T. VCF-style: chr10-102066312-C-T. GRCh37 (hg19) VCF-style: chr10-103826069-C-T.
Identifiers: ClinVar variation 2904181 (VCV002904181.5), dbSNP rs1480279556, ClinGen allele CA471010468.
Genomic context (GRCh38, chr10:102,066,312, plus strand): 5'-GGGTTGCTGTCCCCCAGGGAGCCACTGGCTGTACACACCTGGGCCCCAACTCCCCAGGGC[C>T]TGCTGTTGCTTGACTTCGGGGGCACTGTGAGCCTATTGCAGTCCCACGGTGGTACGCGGG-3'
Protein context (NP_079023.2, residues 270-290): VHTWAPTPQG[Leu280=]LLLDFGGTVS